The following is an entry in ClinVar:

ClinVar aggregate classification (germline): Uncertain significance (1 of 4 stars; one submission).

Allele frequency attached by ClinVar (database versions not stated): gnomAD exomes below 0.00001; TOPMed 0.00001.
gnomAD v4.1: 2 of 1,614,176 alleles (0.00012%); highest among the groups gnomAD compares: South Asian, 0.0022%; no homozygotes.

Submission:

Labcorp Genetics (formerly Invitae), Labcorp
Classification: Uncertain significance. Last evaluated: 2022-03-15. Review status: criteria provided, single submitter. Criteria: Invitae Variant Classification Sherloc (09022015). Collection method: clinical testing. Allele origin: germline.
Comment: In summary, the available evidence is currently insufficient to determine the role of this variant in disease. Therefore, it has been classified as a Variant of Uncertain Significance. Algorithms developed to predict the effect of missense changes on protein structure and function are either unavailable or do not agree on the potential impact of this missense change (SIFT: "Deleterious"; PolyPhen-2: "Probably Damaging"; Align-GVGD: "Class C0"). This variant has not been reported in the literature in individuals affected with TTBK2-related conditions. This variant is not present in population databases (gnomAD no frequency). This sequence change replaces isoleucine, which is neutral and non-polar, with valine, which is neutral and non-polar, at codon 129 of the TTBK2 protein (p.Ile129Val).

NM_173500.4(TTBK2):c.385A>G (p.Ile129Val)

Gene: TTBK2 (tau tubulin kinase 2; minus strand). Cytogenetic location: 15q15.2.
Variant type: single nucleotide variant.
Coding change: c.385A>G on transcript NM_173500.4 (MANE Select); coding-DNA position 385, A replaced by G.
Protein change: p.Ile129Val; replaces isoleucine 129 with valine.
Molecular consequence: missense variant.
Genome position (GRCh38, 1-based): chr15:42,829,985, T>C on the plus strand (A>G on the coding strand, the complement: TTBK2 is on the minus strand). VCF-style: chr15-42829985-T-C. GRCh37 (hg19) VCF-style: chr15-43122183-T-C.
Other names: short protein forms I129V.
Identifiers: ClinVar variation 2112325 (VCV002112325.4), dbSNP rs1892682273, ClinGen allele CA392051748.